The following is an entry in ClinVar:

ClinVar aggregate classification (germline): Benign/Likely benign. Review status: criteria provided, multiple submitters, no conflicts (2 of 4 stars). 2 submissions from 2 submitters: Benign (1); Likely benign (1). Last evaluated 2026-04-02.

Conditions:
Ehlers-Danlos syndrome, classic type, 1 (EDSCL1). Also called: EHLERS-DANLOS SYNDROME, GRAVIS TYPE; EHLERS-DANLOS SYNDROME, SEVERE CLASSIC TYPE; Ehlers-Danlos syndrome, type 1; Ehlers-Danlos Syndrome, Classic Type, COL5A1-Related; EDS I. Identifiers: MedGen C0268335, MONDO:0019567, OMIM 130000.

gnomAD v4.1: 27 of 1,497,894 alleles (0.0018%); highest among the groups gnomAD compares: South Asian, 0.024%; no homozygotes.

Submissions (2):

Women's Health and Genetics/Laboratory Corporation of America, LabCorp
Classification: Benign. Last evaluated: 2026-04-02. Review status: criteria provided, single submitter. Criteria: LabCorp Variant Classification Summary - May 2015. Collection method: clinical testing. Allele origin: germline.
Comment: Variant summary: COL5A2 c.323-6T>C alters a conserved nucleotide located at a position not widely known to affect splicing. Several computational tools predict a significant impact on normal splicing: One predicts the variant strengthens a cryptic 5' donor site. Two predict the variant strengthens a cryptic 3' acceptor site. However, these predictions have yet to be confirmed by functional studies. The variant allele was found at a frequency of 5.2e-05 in 250404 control chromosomes, predominantly at a frequency of 0.00043 within the South Asian subpopulation in the gnomAD database. The observed variant frequency within South Asian control individuals in the gnomAD database exceeds the estimated maximal expected allele frequency for disease-causing variants in COL5A2. To our knowledge, no occurrence of c.323-6T>C in individuals affected with COL5A2-related conditions and no experimental evidence demonstrating its impact on protein function have been reported. ClinVar contains an entry for this variant (Variation ID: 4740961). Based on the evidence outlined above, the variant was classified as benign.

Labcorp Genetics (formerly Invitae), Labcorp
Classification: Likely benign for Ehlers-Danlos syndrome, classic type, 1. Last evaluated: 2025-06-22. Review status: criteria provided, single submitter. Criteria: Invitae Variant Classification Sherloc (09022015). Collection method: clinical testing. Allele origin: germline.

NM_000393.5(COL5A2):c.323-6T>C

Gene: COL5A2 (collagen type V alpha 2 chain; minus strand). Cytogenetic location: 2q32.2.
Variant type: single nucleotide variant.
Coding change: c.323-6T>C on transcript NM_000393.5 (MANE Select); 6 bases into the intron before coding-DNA position 323, T replaced by C.
Molecular consequence: intron variant.
Genome position (GRCh38, 1-based): chr2:189,104,283, A>G on the plus strand (T>C on the coding strand, the complement: COL5A2 is on the minus strand). VCF-style: chr2-189104283-A-G. GRCh37 (hg19) VCF-style: chr2-189969009-A-G.
Identifiers: ClinVar variation 4740961 (VCV004740961.2).